The following is an entry in ClinVar:

ClinVar aggregate classification (germline): Pathogenic (1 of 4 stars; one submission).

Conditions:
Duchenne muscular dystrophy (DMD). Also called: MUSCULAR DYSTROPHY, PSEUDOHYPERTROPHIC PROGRESSIVE, DUCHENNE TYPE; Duchenne Muscular Dystrophy (DMD). Identifiers: Orphanet 98896, MedGen C0013264, MONDO:0010679, OMIM 310200.

Submission:

Labcorp Genetics (formerly Invitae), Labcorp
Classification: Pathogenic for Duchenne muscular dystrophy. Last evaluated: 2025-06-08. Review status: criteria provided, single submitter. Criteria: Invitae Variant Classification Sherloc (09022015). Collection method: clinical testing. Allele origin: germline.
Comment: This sequence change creates a premature translational stop signal (p.Asn2414Lysfs*13) in the DMD gene. It is expected to result in an absent or disrupted protein product. Loss-of-function variants in DMD are known to be pathogenic (PMID: 16770791, 25007885). This variant is not present in population databases (gnomAD no frequency). This variant has not been reported in the literature in individuals affected with DMD-related conditions. ClinVar contains an entry for this variant (Variation ID: 2755989). For these reasons, this variant has been classified as Pathogenic.

Literature cited by the submitters: PubMed 16770791; PubMed 25007885.

NM_004006.3(DMD):c.7241dup (p.Asn2414fs)

Gene: DMD (dystrophin; minus strand). Cytogenetic location: Xp21.1.
Variant type: Duplication.
Coding change: c.7241dup on transcript NM_004006.3 (MANE Select); coding-DNA position 7241, one base duplicated (A; older notation c.7241dupA).
Protein change: p.Asn2414fs; shifts the reading frame from asparagine 2414.
Molecular consequence: frameshift variant. On other transcripts: 5 prime UTR variant (5).
Genome position (GRCh38, 1-based): chrX:31,820,043, T duplicated on the plus strand (A on the coding strand, the reverse complement: DMD is on the minus strand); the first of 3 consecutive T bases (chrX:31,820,043-31,820,045); duplicating any one gives the same sequence. VCF-style (leftmost placement, unchanged base first): chrX-31820042-G-GT. GRCh37 (hg19) VCF-style: chrX-31838159-G-GT.
Other names: c.7217dup, p.Asn2406fs (NM_000109.4); c.7229dup, p.Asn2410fs (NM_004009.3); c.6872dup, p.Asn2291fs (NM_004010.3); c.3218dup, p.Asn1073fs (NM_004011.4); c.3209dup, p.Asn1070fs (NM_004012.4); c.-140dup (NM_004013.3, NM_004020.4, NM_004021.3 and 2 more transcripts); short protein forms N1070fs, N2406fs, N2291fs, N2414fs, N2410fs, N1073fs.
Identifiers: ClinVar variation 2755989 (VCV002755989.3), dbSNP rs2531583251, ClinGen allele CA2697552934.